The following is an entry in ClinVar:

GRCh38/hg38 8p23.1(chr8:7514108-8222398)x3

Genes: DEFB103A (defensin beta 103A; plus strand), DEFB104A (defensin beta 104A; plus strand), DEFB105A (defensin beta 105A; minus strand), DEFB106A (defensin beta 106A; plus strand), DEFB107A (defensin beta 107A; minus strand) and 25 more. Cytogenetic location: 8p23.1.
Variant type: copy number gain.
Change: copy number 3 (three copies instead of two) of chr8:7,514,108-8,222,398 (708.3 kb, GRCh38 coordinates, 1-based), cytogenetic band 8p23.1.
Identifiers: ClinVar variation 161070 (VCV000161070.1).

ClinVar aggregate classification (germline): Benign (1 of 4 stars; one submission).

Submission:

ISCA site 4
Classification: Benign. Last evaluated: 2011-08-12. Review status: criteria provided, single submitter. Criteria: Kaminsky et al. (Genet Med. 2011). Collection method: clinical testing. Allele origin: unknown. Affected: yes. Observed: 2 variant alleles.
Comment: Copy number variation identified through the course of routine clinical cytogenomic testing in postnatal populations. Clinical assertions have been curated as described in Kaminsky et al. 2011.